The following is an entry in ClinVar:

ClinVar aggregate classification (germline): Benign (1 of 4 stars; one submission).

Allele frequency attached by ClinVar (database versions not stated): 1000 Genomes Project 0.34465; 1000 Genomes Project 30x 0.35478; gnomAD 0.43459 and 0.44830; TOPMed 0.43497.

Submission:

GeneDx
Classification: Benign. Last evaluated: 2018-06-14. Review status: criteria provided, single submitter. Criteria: GeneDx Variant Classification (06012015). Collection method: clinical testing. Allele origin: germline. Affected: yes.
Comment: This variant is considered likely benign or benign based on one or more of the following criteria: it is a conservative change, it occurs at a poorly conserved position in the protein, it is predicted to be benign by multiple in silico algorithms, and/or has population frequency not consistent with disease.

NM_002880.4(RAF1):c.1194-179C>G

Gene: RAF1 (Raf-1 proto-oncogene, serine/threonine kinase; minus strand). Cytogenetic location: 3p25.2.
Variant type: single nucleotide variant.
Coding change: c.1194-179C>G on transcript NM_002880.4 (MANE Select); 179 bases into the intron before coding-DNA position 1194, C replaced by G.
Molecular consequence: intron variant.
Genome position (GRCh38, 1-based): chr3:12,591,153, G>C on the plus strand (C>G on the coding strand, the complement: RAF1 is on the minus strand). VCF-style: chr3-12591153-G-C. GRCh37 (hg19) VCF-style: chr3-12632652-G-C.
Other names: c.852-179C>G (NM_001354695.3); c.951-179C>G (NM_001354692.3, NM_001354691.3); c.1011-179C>G (NM_001354694.3); c.1095-179C>G (NM_001354693.3); c.1254-179C>G (NM_001354689.3); c.1194-179C>G (NM_001354690.3).
Identifiers: ClinVar variation 561370 (VCV000561370.1), dbSNP rs2596831, ClinGen allele CA11351595.
Genomic context (GRCh38, chr3:12,591,153, plus strand): 5'-CCCCAGTCCCAAAAACAAACACATGGCACGGCTGATAACCCGGGTGGCATTCTGAGCAAA[G>C]AGAAGCCCACCATTAGTTCACTGGGCCATCAGTTCAGTGCCAGCCTTGCTTACAGAGAGG-3'